The following is an entry in ClinVar:

ClinVar aggregate classification (germline): Uncertain significance (1 of 4 stars; one submission).

Conditions:
Cardiovascular phenotype. Identifiers: MedGen CN230736.

Allele frequency attached by ClinVar (database versions not stated): gnomAD exomes below 0.00001.
gnomAD v4.1: 1 of 1,614,064 alleles (0.000062%); highest among the groups gnomAD compares: Non-Finnish European, 0.000085%; no homozygotes.

Submission:

Ambry Genetics
Classification: Uncertain significance for Cardiovascular phenotype. Last evaluated: 2023-09-23. Review status: criteria provided, single submitter. Criteria: Ambry Variant Classification Scheme 2023. Collection method: clinical testing. Allele origin: germline.
Comment: The p.I1103T variant (also known as c.3308T>C), located in coding exon 22 of the ABCA1 gene, results from a T to C substitution at nucleotide position 3308. The isoleucine at codon 1103 is replaced by threonine, an amino acid with similar properties. This amino acid position is conserved. In addition, this alteration is predicted to be deleterious by in silico analysis. Since supporting evidence is limited at this time, the clinical significance of this alteration remains unclear.

NM_005502.4(ABCA1):c.3308T>C (p.Ile1103Thr)

Gene: ABCA1 (ATP binding cassette subfamily A member 1; minus strand). Cytogenetic location: 9q31.1.
Variant type: single nucleotide variant.
Coding change: c.3308T>C on transcript NM_005502.4 (MANE Select); coding-DNA position 3308, T replaced by C.
Protein change: p.Ile1103Thr; replaces isoleucine 1103 with threonine.
Molecular consequence: missense variant.
Genome position (GRCh38, 1-based): chr9:104,818,817, A>G on the plus strand (T>C on the coding strand, the complement: ABCA1 is on the minus strand). VCF-style: chr9-104818817-A-G. GRCh37 (hg19) VCF-style: chr9-107581098-A-G.
Other names: short protein forms I1103T.
Identifiers: ClinVar variation 3224746 (VCV003224746.1), dbSNP rs2538136429, ClinGen allele CA374318859.